The following is an entry in ClinVar:

NC_000005.9:g.(?_90085554)_(90097996_?)del

Gene: ADGRV1 (adhesion G protein-coupled receptor V1; plus strand). Cytogenetic location: 5q14.3.
Variant type: Deletion.
Identifiers: ClinVar variation 3246560 (VCV003246560.1).

ClinVar aggregate classification (germline): Pathogenic (1 of 4 stars; one submission).

Submission:

Labcorp Genetics (formerly Invitae), Labcorp
Classification: Pathogenic. Last evaluated: 2023-11-27. Review status: criteria provided, single submitter. Criteria: Invitae Variant Classification Sherloc (09022015). Collection method: clinical testing. Allele origin: unknown.
Comment: This variant results in the deletion of exon 70 and part of exon 69 (c.13929_14518-560del) of the ADGRV1 gene. It is expected to disrupt RNA splicing. Variants that disrupt the donor or acceptor splice site typically lead to a loss of protein function (PMID: 16199547), and loss-of-function variants in ADGRV1 are known to be pathogenic (PMID: 19357117, 22135276, 22147658, 26226137, 30718709, 31047384, 32467589). This variant has not been reported in the literature in individuals affected with ADGRV1-related conditions. This variant disrupts a region of the ADGRV1 protein in which other variant(s) (p.Arg4789Gln) have been determined to be pathogenic (PMID: 23462753, 24853665; Invitae). This suggests that this is a clinically significant region of the protein, and that variants that disrupt it are likely to be disease-causing. For these reasons, this variant has been classified as Pathogenic.

Literature cited by the submitters: PubMed 16199547; PubMed 19357117; PubMed 22135276; PubMed 22147658; PubMed 26226137; PubMed 30718709; PubMed 31047384; PubMed 32467589; PubMed 23462753; PubMed 24853665.